The following is an entry in ClinVar:

NM_017617.5(NOTCH1):c.347C>T (p.Thr116Ile)

Gene: NOTCH1 (notch receptor 1; minus strand). Cytogenetic location: 9q34.3.
Variant type: single nucleotide variant.
Coding change: c.347C>T on transcript NM_017617.5 (MANE Select); coding-DNA position 347, C replaced by T.
Protein change: p.Thr116Ile; replaces threonine 116 with isoleucine.
Molecular consequence: missense variant.
Genome position (GRCh38, 1-based): chr9:136,523,773, G>A on the plus strand (C>T on the coding strand, the complement: NOTCH1 is on the minus strand). VCF-style: chr9-136523773-G-A. GRCh37 (hg19) VCF-style: chr9-139418225-G-A.
Other names: short protein forms T116I.
Identifiers: ClinVar variation 1377593 (VCV001377593.6), dbSNP rs1308100068, ClinGen allele CA375572613.

ClinVar aggregate classification (germline): Uncertain significance (1 of 4 stars; one submission).

Conditions:
Adams-Oliver syndrome 5 (AOS5). Identifiers: Orphanet 974, MedGen C4014970, MONDO:0014459, OMIM 616028.

Allele frequency attached by ClinVar (database versions not stated): gnomAD exomes below 0.00001; gnomAD 0.00001; TOPMed 0.00002.
gnomAD v4.1: 5 of 1,611,692 alleles (0.00031%); highest among the groups gnomAD compares: Non-Finnish European, 0.00042%; no homozygotes.

Submission:

Labcorp Genetics (formerly Invitae), Labcorp
Classification: Uncertain significance for Adams-Oliver syndrome 5. Last evaluated: 2021-10-03. Review status: criteria provided, single submitter. Criteria: Invitae Variant Classification Sherloc (09022015). Collection method: clinical testing. Allele origin: germline.
Comment: This sequence change replaces threonine with isoleucine at codon 116 of the NOTCH1 protein (p.Thr116Ile). The threonine residue is highly conserved and there is a moderate physicochemical difference between threonine and isoleucine. This variant is not present in population databases (ExAC no frequency). This variant has not been reported in the literature in individuals affected with NOTCH1-related conditions. Advanced modeling of protein sequence and biophysical properties (such as structural, functional, and spatial information, amino acid conservation, physicochemical variation, residue mobility, and thermodynamic stability) performed at Invitae indicates that this missense variant is not expected to disrupt NOTCH1 protein function. In summary, the available evidence is currently insufficient to determine the role of this variant in disease. Therefore, it has been classified as a Variant of Uncertain Significance.